The following is an entry in ClinVar:

ClinVar aggregate classification (germline): Pathogenic/Likely pathogenic. Review status: criteria provided, multiple submitters, no conflicts (2 of 4 stars). 2 submissions from 2 submitters: Pathogenic (1); Likely pathogenic (1). Last evaluated 2025-10-26.

Conditions:
Autosomal recessive Alport syndrome (ATS2). Also called: COL4A3-Related Nephropathy; COL4A4 Alport Syndrome and Thin Basement Membrane Nephropathy; ALPORT SYNDROME 2, AUTOSOMAL RECESSIVE; Alport syndrome type 2. Identifiers: Orphanet 63, Orphanet 88919, MedGen C4746745, MONDO:0008762, OMIM 203780.

Submissions (2):

Labcorp Genetics (formerly Invitae), Labcorp
Classification: Pathogenic. Last evaluated: 2025-10-26. Review status: criteria provided, single submitter. Criteria: Invitae Variant Classification Sherloc (09022015). Collection method: clinical testing. Allele origin: germline.
Comment: This sequence change creates a premature translational stop signal (p.Gly1403*) in the COL4A3 gene. It is expected to result in an absent or disrupted protein product. Loss-of-function variants in COL4A3 are known to be pathogenic (PMID: 8956999, 24854265, 26809805, 27281700). This variant is not present in population databases (gnomAD no frequency). This variant has not been reported in the literature in individuals affected with COL4A3-related conditions. ClinVar contains an entry for this variant (Variation ID: 1724015). For these reasons, this variant has been classified as Pathogenic.

Myriad Genetics, Inc.
Classification: Likely pathogenic for Autosomal recessive Alport syndrome. Last evaluated: 2022-01-23. Review status: criteria provided, single submitter. Criteria: Myriad Women's Health Autosomal Recessive and X-Linked Classification Criteria (2021). Collection method: clinical testing. Allele origin: unknown.
Comment: NM_000091.4(COL4A3):c.4207G>T(G1403*) is expected to be pathogenic in the context of COL4A3-related Alport syndrome. This variant is predicted to lead to an abnormal or absent protein product due to the creation of a premature termination codon in COL4A3, a gene where loss-of-function variants are known to be pathogenic. Please note: this variant was assessed in the context of healthy population screening.

Literature cited by the submitters: PubMed 8956999 (cited by Labcorp Genetics (formerly Invitae), Labcorp); PubMed 24854265 (cited by Labcorp Genetics (formerly Invitae), Labcorp); PubMed 26809805 (cited by Labcorp Genetics (formerly Invitae), Labcorp); PubMed 27281700 (cited by Labcorp Genetics (formerly Invitae), Labcorp).

NM_000091.5(COL4A3):c.4207G>T (p.Gly1403Ter)

Genes: COL4A3 (collagen type IV alpha 3 chain; plus strand), MFF-DT (MFF divergent transcript; minus strand). Cytogenetic location: 2q36.3.
Variant type: single nucleotide variant.
Coding change: c.4207G>T on transcript NM_000091.5 (MANE Select); coding-DNA position 4207, G replaced by T.
Protein change: p.Gly1403Ter; replaces glycine 1403 with a stop codon.
Molecular consequence: nonsense.
Genome position (GRCh38, 1-based): chr2:227,305,038, G>T. VCF-style: chr2-227305038-G-T. GRCh37 (hg19) VCF-style: chr2-228169754-G-T.
Other names: short protein forms G1403*.
Identifiers: ClinVar variation 1724015 (VCV001724015.3), dbSNP rs772528863, ClinGen allele CA66618133.